The following is an entry in ClinVar:

NM_030930.4(UNC93B1):c.1350G>T (p.Lys450Asn)

Gene: UNC93B1 (unc-93B1 regulator of TLR signaling; minus strand). Cytogenetic location: 11q13.2.
Variant type: single nucleotide variant.
Coding change: c.1350G>T on transcript NM_030930.4 (MANE Select); coding-DNA position 1350, G replaced by T.
Protein change: p.Lys450Asn; replaces lysine 450 with asparagine.
Molecular consequence: missense variant.
Genome position (GRCh38, 1-based): chr11:67,995,624, C>A on the plus strand (G>T on the coding strand, the complement: UNC93B1 is on the minus strand). VCF-style: chr11-67995624-C-A. GRCh37 (hg19) VCF-style: chr11-67763095-C-A.
Other names: short protein forms K450N.
Identifiers: ClinVar variation 1521423 (VCV001521423.6), dbSNP rs1134108, ClinGen allele CA224212523.
Genomic context (GRCh38, chr11:67,995,624, plus strand): 5'-GCCCCCTGCCCCGCCCCCCCCCCCCCAGTGCCCACAGCTATACTCACTGCTGAGTCCAGT[C>A]TTGTTCAGGGCACTGCCCACACCCCAAAGGGCAGCTGCCACATAGAGGATCCAGCTGTGT-3'
Protein context (NP_112192.2, residues 440-460): ALWGVGSALN[Lys450Asn]TGLSTLLGIL

ClinVar aggregate classification (germline): Uncertain significance (1 of 4 stars; one submission).

Conditions:
Encephalopathy, acute, infection-induced (herpes-specific), susceptibility to, 1. Also called: Herpes simplex encephalitis, susceptibility to, 1. Identifiers: Orphanet 1930, MedGen C2750180, MONDO:0024563, OMIM 610551.

Allele frequency attached by ClinVar (database versions not stated): gnomAD exomes 0.00001.

Submission:

Labcorp Genetics (formerly Invitae), Labcorp
Classification: Uncertain significance for Encephalopathy, acute, infection-induced (herpes-specific), susceptibility to, 1. Last evaluated: 2020-12-21. Review status: criteria provided, single submitter. Criteria: Invitae Variant Classification Sherloc (09022015). Collection method: clinical testing. Allele origin: germline.
Comment: In summary, the available evidence is currently insufficient to determine the role of this variant in disease. Therefore, it has been classified as a Variant of Uncertain Significance. Experimental studies and prediction algorithms are not available or were not evaluated, and the functional significance of this variant is currently unknown. This variant has not been reported in the literature in individuals with UNC93B1-related conditions. The frequency data for this variant in the population databases is considered unreliable, as metrics indicate insufficient coverage at this position in the ExAC database. This sequence change replaces lysine with asparagine at codon 450 of the UNC93B1 protein (p.Lys450Asn). The lysine residue is highly conserved and there is a moderate physicochemical difference between lysine and asparagine.